The following is an entry in ClinVar:

ClinVar aggregate classification (germline): Uncertain significance (1 of 4 stars; one submission).

Conditions:
Ataxia-telangiectasia syndrome (AT). Also called: Ataxia-telangiectasia, complementation group E; ATAXIA-TELANGIECTASIA, COMPLEMENTATION GROUP A; ATAXIA-TELANGIECTASIA, FRESNO VARIANT; Ataxia-telangiectasia, complementation group D; AT, COMPLEMENTATION GROUP C; Ataxia-telangiectasia. Identifiers: Orphanet 100, MedGen C0004135, MONDO:0008840, OMIM 208900.

Submission:

Labcorp Genetics (formerly Invitae), Labcorp
Classification: Uncertain significance for Ataxia-telangiectasia syndrome. Last evaluated: 2024-09-12. Review status: criteria provided, single submitter. Criteria: Invitae Variant Classification Sherloc (09022015). Collection method: clinical testing. Allele origin: germline.
Comment: This sequence change replaces alanine, which is neutral and non-polar, with glycine, which is neutral and non-polar, at codon 1041 of the ATM protein (p.Ala1041Gly). This variant is not present in population databases (gnomAD no frequency). This variant has not been reported in the literature in individuals affected with ATM-related conditions. An algorithm developed to predict the effect of missense changes on protein structure and function (PolyPhen-2) suggests that this variant is likely to be disruptive. In summary, the available evidence is currently insufficient to determine the role of this variant in disease. Therefore, it has been classified as a Variant of Uncertain Significance.

NM_000051.4(ATM):c.3122C>G (p.Ala1041Gly)

Gene: ATM (ATM serine/threonine kinase; plus strand). Cytogenetic location: 11q22.3.
Variant type: single nucleotide variant.
Coding change: c.3122C>G on transcript NM_000051.4 (MANE Select); coding-DNA position 3122, C replaced by G.
Protein change: p.Ala1041Gly; replaces alanine 1041 with glycine.
Molecular consequence: missense variant.
Genome position (GRCh38, 1-based): chr11:108,272,576, C>G. VCF-style: chr11-108272576-C-G. GRCh37 (hg19) VCF-style: chr11-108143303-C-G.
Other names: c.3122C>G, p.Ala1041Gly (NM_001351834.2); short protein forms A1041G.
Identifiers: ClinVar variation 3711642 (VCV003711642.2).